The following is an entry in ClinVar:

ClinVar aggregate classification (germline): Likely benign. Review status: criteria provided, multiple submitters, no conflicts (2 of 4 stars). 3 submissions from 3 submitters: Likely benign (2). 1 of the submissions does not count toward it. Last evaluated 2025-11-17.

Conditions:
Developmental and epileptic encephalopathy, 8 (DEE8). Also called: HYPEREKPLEXIA AND EPILEPSY. Identifiers: Orphanet 163985, Orphanet 2076, MedGen C1845102, MONDO:0010375, OMIM 300607.
ARHGEF9-related disorder. Also called: ARHGEF9-related condition.
Inborn genetic diseases. Identifiers: MedGen C0950123, MeSH D030342.

Allele frequency attached by ClinVar (database versions not stated): gnomAD 0.00001; ExAC 0.00002; gnomAD exomes 0.00002 and 0.00011; TOPMed 0.00003.
gnomAD v4.1: 112 of 1,203,245 alleles (0.0093%); highest among the groups gnomAD compares: Non-Finnish European, 0.012%; no homozygotes.

Submissions (3):

Labcorp Genetics (formerly Invitae), Labcorp
Classification: Likely benign for Developmental and epileptic encephalopathy, 8. Last evaluated: 2025-11-17. Review status: criteria provided, single submitter. Criteria: Invitae Variant Classification Sherloc (09022015). Collection method: clinical testing. Allele origin: germline.

Ambry Genetics
Classification: Likely benign for Inborn genetic diseases. Last evaluated: 2019-07-14. Review status: criteria provided, single submitter. Criteria: Ambry Variant Classification Scheme 2023. Collection method: clinical testing. Allele origin: germline.

PreventionGenetics, part of Exact Sciences
Classification: Likely benign for ARHGEF9-related condition. Last evaluated: 2019-05-20. Review status: no assertion criteria provided. Collection method: clinical testing. Allele origin: germline. Not counted in ClinVar's aggregate classification.
Comment: This variant is classified as likely benign based on ACMG/AMP sequence variant interpretation guidelines (Richards et al. 2015 PMID: 25741868, with internal and published modifications).

NM_001353921.2(ARHGEF9):c.366G>A (p.Glu122=)

Gene: ARHGEF9 (Cdc42 guanine nucleotide exchange factor 9; minus strand). Cytogenetic location: Xq11.1.
Variant type: single nucleotide variant.
Coding change: c.366G>A on transcript NM_001353921.2 (MANE Select); coding-DNA position 366, G replaced by A.
Protein change: p.Glu122=; no amino-acid change (glutamic acid 122 retained).
Molecular consequence: synonymous variant. On other transcripts: 5 prime UTR variant (1).
Genome position (GRCh38, 1-based): chrX:63,706,294, C>T on the plus strand (G>A on the coding strand, the complement: ARHGEF9 is on the minus strand). VCF-style: chrX-63706294-C-T. GRCh37 (hg19) VCF-style: chrX-62926174-C-T.
Other names: c.186G>A, p.Glu62= (NM_001173479.2); c.39G>A, p.Glu13= (NM_001173480.2, NM_001369042.1); c.282G>A, p.Glu94= (NM_001330495.2, NM_001353927.2, NM_001369033.1 and 8 more transcripts); c.366G>A, p.Glu122= (NM_001353922.2); c.384G>A, p.Glu128= (NM_001353923.1); c.165G>A, p.Glu55= (NM_001353924.2, NM_001353926.2, NM_001369039.1 and 1 more transcripts); c.345G>A, p.Glu115= (NM_001353928.2, NM_001369030.1, NM_001369031.1 and 2 more transcripts); c.-338G>A (NM_001369045.1).
Identifiers: ClinVar variation 1091918 (VCV001091918.13), dbSNP rs781834665, ClinGen allele CA10431964.